The following is an entry in ClinVar:

NM_000138.5(FBN1):c.2696G>C (p.Gly899Ala)

Gene: FBN1 (fibrillin 1; minus strand). Cytogenetic location: 15q21.1.
Variant type: single nucleotide variant.
Coding change: c.2696G>C on transcript NM_000138.5 (MANE Select); coding-DNA position 2696, G replaced by C.
Protein change: p.Gly899Ala; replaces glycine 899 with alanine.
Molecular consequence: missense variant.
Genome position (GRCh38, 1-based): chr15:48,494,236, C>G on the plus strand (G>C on the coding strand, the complement: FBN1 is on the minus strand). VCF-style: chr15-48494236-C-G. GRCh37 (hg19) VCF-style: chr15-48786433-C-G.
Other names: short protein forms G899A.
Identifiers: ClinVar variation 1431190 (VCV001431190.8), dbSNP rs1555399094, ClinGen allele CA392331687.

ClinVar aggregate classification (germline): Uncertain significance (1 of 4 stars; one submission).

Conditions:
Marfan syndrome (MFS). Also called: MARFAN SYNDROME, TYPE I; Marfan syndrome type 1; Marfan's syndrome; Marfan syndrome, classic; FBN1-Related Marfan Syndrome. Identifiers: Orphanet 284963, Orphanet 558, MedGen C0024796, MONDO:0007947, OMIM 154700.
Familial thoracic aortic aneurysm and aortic dissection (TAAD). Also called: Thoracic aortic aneurysms and dissections. Identifiers: Orphanet 91387, MedGen C4707243, MONDO:0019625.

Submission:

Labcorp Genetics (formerly Invitae), Labcorp
Classification: Uncertain significance for Marfan syndrome; Familial thoracic aortic aneurysm and aortic dissection. Last evaluated: 2021-04-02. Review status: criteria provided, single submitter. Criteria: Invitae Variant Classification Sherloc (09022015). Collection method: clinical testing. Allele origin: germline.
Comment: This variant is not present in population databases (ExAC no frequency). In summary, the available evidence is currently insufficient to determine the role of this variant in disease. Therefore, it has been classified as a Variant of Uncertain Significance. This variant disrupts the p.Gly899 amino acid residue in FBN1. Other variant(s) that disrupt this residue have been observed in individuals with FBN1-related conditions (PMID: 31730815, 29768367), which suggests that this may be a clinically significant amino acid residue. Advanced modeling of protein sequence and biophysical properties (such as structural, functional, and spatial information, amino acid conservation, physicochemical variation, residue mobility, and thermodynamic stability) performed at Invitae indicates that this missense variant is expected to disrupt FBN1 protein function. This variant has been observed in individual(s) with clinical features of Marfan syndrome (Invitae). This sequence change replaces glycine with alanine at codon 899 of the FBN1 protein (p.Gly899Ala). The glycine residue is highly conserved and there is a small physicochemical difference between glycine and alanine.

Literature cited by the submitters: PubMed 31730815; PubMed 29768367.